The following is an entry in ClinVar:

NM_013247.5(HTRA2):c.1051T>C (p.Ser351Pro)

Gene: HTRA2 (HtrA serine peptidase 2; plus strand). Cytogenetic location: 2p13.1.
Variant type: single nucleotide variant.
Coding change: c.1051T>C on transcript NM_013247.5 (MANE Select); coding-DNA position 1051, T replaced by C.
Protein change: p.Ser351Pro; replaces serine 351 with proline.
Molecular consequence: missense variant. On other transcripts: non-coding transcript variant (4).
Genome position (GRCh38, 1-based): chr2:74,531,861, T>C. VCF-style: chr2-74531861-T-C. GRCh37 (hg19) VCF-style: chr2-74758988-T-C.
Other names: c.1081T>C, p.Ser361Pro (NM_001321727.1); c.1051T>C, p.Ser351Pro (NM_001321728.1); c.856T>C, p.Ser286Pro (NM_145074.2); short protein forms S286P, S361P, S351P.
Identifiers: ClinVar variation 1973936 (VCV001973936.5), dbSNP rs2529896068, ClinGen allele CA347381443.

ClinVar aggregate classification (germline): Uncertain significance (1 of 4 stars; one submission).

Submission:

Labcorp Genetics (formerly Invitae), Labcorp
Classification: Uncertain significance. Last evaluated: 2022-06-03. Review status: criteria provided, single submitter. Criteria: Invitae Variant Classification Sherloc (09022015). Collection method: clinical testing. Allele origin: germline.
Comment: This variant has not been reported in the literature in individuals affected with HTRA2-related conditions. In summary, the available evidence is currently insufficient to determine the role of this variant in disease. Therefore, it has been classified as a Variant of Uncertain Significance. Algorithms developed to predict the effect of missense changes on protein structure and function (SIFT, PolyPhen-2, Align-GVGD) all suggest that this variant is likely to be tolerated. This variant is not present in population databases (gnomAD no frequency). This sequence change replaces serine, which is neutral and polar, with proline, which is neutral and non-polar, at codon 351 of the HTRA2 protein (p.Ser351Pro).